The following is an entry in ClinVar:

NM_000419.5(ITGA2B):c.2943G>A (p.Gln981=)

Gene: ITGA2B (integrin subunit alpha 2b; minus strand). Cytogenetic location: 17q21.31.
Variant type: single nucleotide variant.
Coding change: c.2943G>A on transcript NM_000419.5 (MANE Select); coding-DNA position 2943, G replaced by A.
Protein change: p.Gln981=; no amino-acid change (glutamine 981 retained).
Molecular consequence: synonymous variant.
Genome position (GRCh38, 1-based): chr17:44,374,659, C>T on the plus strand (G>A on the coding strand, the complement: ITGA2B is on the minus strand). VCF-style: chr17-44374659-C-T. GRCh37 (hg19) VCF-style: chr17-42452027-C-T.
Other names: NM_000419.5:c.2943G>A.
Identifiers: ClinVar variation 3391414 (VCV003391414.1).

ClinVar aggregate classification (germline): Uncertain significance (3 of 4 stars; one submission).

Conditions:
Glanzmann thrombasthenia. Also called: BLEEDING DISORDER, PLATELET-TYPE, 2; THROMBASTHENIA OF GLANZMANN AND NAEGELI; Thrombasthenia; Glanzmann's thrombasthenia; PLATELET GLYCOPROTEIN IIb-IIIa DEFICIENCY. Identifiers: Orphanet 849, MedGen C0040015, MONDO:0100326.

Submission:

ClinGen Platelet Disorders Variant Curation Expert Panel, ClinGen
Classification: Uncertain significance for Glanzmann thrombasthenia. Last evaluated: 2024-12-17. Review status: reviewed by expert panel. Criteria: ClinGen Platelet ACMG Specifications v2-1. Collection method: curation. Allele origin: germline. Inheritance: Autosomal recessive inheritance.
Comment: The c.2943G>A (p.Gln981=) variant is a synonymous variant that may impact splicing (SpliceAI acceptor loss score of 0.32). It occurs at a nucleotide that is not conserved as shown by phyloP score of 0.42. At least one patient (Patient GT-1 in PMID:37409530, previously reported in an online resource) with this variant displayed an ISTH bleeding score of 7. They also were observed to have <1% GPIIb-IIIa receptor occupancy. Because aggregation data for this patient was not shown, PP4 was not met. The individual was homozygous for the variant (PM3_supporting). This variant is absent from gnomAD v4.1.0 (PM2_Supporting). In summary, this variant meets the criteria to be classified as a variant of unknown significance due to insufficient evidence for autosomal recessive Glanzmann Thrombasthenia based on the ACMG/AMP criteria applied, as specified by the ClinGen PD VCEP: PM3_supporting, PM2. (VCEP specifications version 2)